The following is an entry in ClinVar:

NM_000474.4(TWIST1):c.309C>G (p.Tyr103Ter)

Gene: TWIST1 (twist family bHLH transcription factor 1; minus strand). Cytogenetic location: 7p21.1.
Variant type: single nucleotide variant.
Coding change: c.309C>G on transcript NM_000474.4 (MANE Select); coding-DNA position 309, C replaced by G.
Protein change: p.Tyr103Ter; replaces tyrosine 103 with a stop codon.
Molecular consequence: nonsense. On other transcripts: non-coding transcript variant (1).
Genome position (GRCh38, 1-based): chr7:19,117,013, G>C on the plus strand (C>G on the coding strand, the complement: TWIST1 is on the minus strand). VCF-style: chr7-19117013-G-C. GRCh37 (hg19) VCF-style: chr7-19156636-G-C.
Other names: short protein forms Y103*.
Identifiers: ClinVar variation 802300 (VCV000802300.12), dbSNP rs104894054, ClinGen allele CA155466597.

ClinVar aggregate classification (germline): Pathogenic/Likely pathogenic. Review status: criteria provided, multiple submitters, no conflicts (2 of 4 stars). 9 submissions from 9 submitters: Pathogenic (8); Likely pathogenic (1). Last evaluated 2026-09-01.

Conditions:
Saethre-Chotzen syndrome (SCS). Also called: ACROCEPHALY, SKULL ASYMMETRY, AND MILD SYNDACTYLY; ACS III; CHOTZEN SYNDROME. Identifiers: Orphanet 794, MedGen C0175699, MONDO:0007042, OMIM 101400.
TWIST1-related craniosynostosis (CRS1). Also called: CRANIOSYNOSTOSIS 1. Identifiers: Orphanet 63440, MedGen C4551902, MONDO:0007399, OMIM 123100. Inheritance: Heterogenous inheritance pattern.
Neurodevelopmental delay. Identifiers: MedGen C4022738, HP:0012758.

Submissions (9):

CeGaT Center for Human Genetics Tuebingen
Classification: Likely pathogenic. Last evaluated: 2026-09-01. Review status: criteria provided, single submitter. Criteria: CeGaT Center For Human Genetics Tuebingen Variant Classification Criteria Version 2. Collection method: clinical testing. Allele origin: germline. Affected: yes. Observed: 1 variant allele.
Comment: TWIST1: PVS1:Strong, PM2, PS4:Moderate

GeneDx
Classification: Pathogenic. Last evaluated: 2026-08-19. Review status: criteria provided, single submitter. Criteria: GeneDx Variant Classification Process June 2021. Collection method: clinical testing. Allele origin: germline.
Comment: Nonsense variant predicted to result in protein truncation, as the last 100 amino acids are lost, and other loss-of-function variants have been reported downstream in HGMD; Not observed at significant frequency in large population cohorts (gnomAD); This variant is associated with the following publications: (PMID: 24127277, 19373776, 9585583, 31837199, 32909287, 39843441)

Labcorp Genetics (formerly Invitae), Labcorp
Classification: Pathogenic for TWIST1-related craniosynostosis; Saethre-Chotzen syndrome. Last evaluated: 2025-01-23. Review status: criteria provided, single submitter. Criteria: Invitae Variant Classification Sherloc (09022015). Collection method: clinical testing. Allele origin: germline.
Comment: This sequence change creates a premature translational stop signal (p.Tyr103*) in the TWIST1 gene. It is expected to result in an absent or disrupted protein product. Loss-of-function variants in TWIST1 are known to be pathogenic (PMID: 10749989). This variant is not present in population databases (gnomAD no frequency). This premature translational stop signal has been observed in individual(s) with Saethre-Chotzen syndrome (PMID: 9585583). ClinVar contains an entry for this variant (Variation ID: 802300). For these reasons, this variant has been classified as Pathogenic.

Revvity Omics, Revvity
Classification: Pathogenic. Last evaluated: 2024-06-28. Review status: criteria provided, single submitter. Criteria: ACMG Guidelines, 2015. Collection method: clinical testing. Allele origin: germline.

Victorian Clinical Genetics Services, Murdoch Childrens Research Institute
Classification: Pathogenic for TWIST1-related craniosynostosis. Last evaluated: 2023-07-17. Review status: criteria provided, single submitter. Criteria: ACMG Guidelines, 2015. Collection method: clinical testing. Allele origin: germline. Inheritance: Autosomal dominant inheritance. Affected: yes.
Comment: Based on the classification scheme VCGS_Germline_v1.3.4, this variant is classified as Pathogenic. Following criteria are met: 0102 - Loss of function are known mechanisms of disease in this gene and is associated with TWIST1-related craniosynostosis (MONDO:0007399; (GeneReviews). Dominant-negative is the suggested mechanism for Sweeney-Cox syndrome (MIM#617746; PMID: 28369379). (I) 0107 - This gene is associated with autosomal dominant disease. (I) 0204 - Variant is predicted to result in a truncated protein (premature termination codon is NOT located at least 54 nucleotides upstream of the final exon-exon junction) with at least 1/3 of the protein sequence affected. (SP) 0251 - This variant is heterozygous. (I) 0301 - Variant is absent from gnomAD (both v2 and v3). (SP) 0701 - Other downstream protein truncating variants comparable to the one identified in this case have very strong previous evidence for pathogenicity (DECIPHER). (SP) 0801 - This variant has strong previous evidence of pathogenicity in unrelated individuals. This variant, and alternative variants resulting in the same protein outcome (c.309C>A and c.308dup), have been observed in multiple individuals with craniosynostosis, including de novo events (PMIDs: 31837199, 32909287; ClinVar). (SP) 1208 - Inheritance information for this variant is not currently available in this individual. (I) Legend: (SP) - Supporting pathogenic, (I) - Information, (SB) - Supporting benign

3billion
Classification: Pathogenic for Saethre-Chotzen syndrome. Last evaluated: 2022-09-01. Review status: criteria provided, single submitter. Criteria: ACMG Guidelines, 2015. Collection method: clinical testing. Allele origin: germline. Affected: yes. Observed: 1 heterozygote.
Comment: The variant is not observed in the gnomAD v2.1.1 dataset. Stop-gained (nonsense) is predicted to result in a loss or disruption of normal protein function through nonsense-mediated decay (NMD) or protein truncation. Multiple pathogenic variants are reported downstream of the variant. The variant has been reported at least twice as pathogenic without evidence for the classification (ClinVar ID: VCV000802300 / PMID: 9585583). Therefore, this variant is classified as Pathogenic according to the recommendation of ACMG/AMP guideline.

Mendelics
Classification: Pathogenic for TWIST1-related craniosynostosis. Last evaluated: 2019-05-28. Review status: criteria provided, single submitter. Criteria: Mendelics Assertion Criteria 2017. Collection method: clinical testing. Allele origin: unknown.

Centre de Biologie Pathologie Génétique, Centre Hospitalier Universitaire de Lille
Classification: Pathogenic for Neurodevelopmental delay. Review status: criteria provided, single submitter. Criteria: ACMG Guidelines, 2015. Collection method: clinical testing. Allele origin: de novo. Affected: yes.

Department of Medical Genetics, Oslo University Hospital
Classification: Pathogenic for Saethre-Chotzen syndrome. Review status: criteria provided, single submitter. Criteria: ACMG Guidelines, 2015. Collection method: clinical testing. Allele origin: germline. Affected: yes. Observed: 4 variant alleles, 4 heterozygotes. Clinical features observed: Craniosynostosis (HP:0001363).

Literature cited by the submitters: PubMed 10749989 (cited by Labcorp Genetics (formerly Invitae), Labcorp); PubMed 9585583 (cited by Labcorp Genetics (formerly Invitae), Labcorp and 3billion); PubMed 28369379 (cited by Victorian Clinical Genetics Services, Murdoch Childrens Research Institute); PubMed 31837199 (cited by Victorian Clinical Genetics Services, Murdoch Childrens Research Institute); PubMed 32909287 (cited by Victorian Clinical Genetics Services, Murdoch Childrens Research Institute).